The following is an entry in ClinVar:

ClinVar aggregate classification (germline): Uncertain significance (0 of 4 stars; one submission).

Conditions:
Glycogen storage disease type III (GSD3). Also called: Cori disease; FORBES DISEASE. Identifiers: Orphanet 366, MedGen C0017922, MONDO:0009291, OMIM 232400.

Allele frequency attached by ClinVar (database versions not stated): gnomAD exomes below 0.00001 and 0.00001; ExAC 0.00002.
gnomAD v4.1: 2 of 1,613,940 alleles (0.00012%); highest among the groups gnomAD compares: East Asian, 0.0045%; no homozygotes.

Submission:

Institute of Human Genetics, University of Goettingen
Classification: Uncertain significance for Glycogen storage disease type III. Last evaluated: 2021-03-09. Review status: no assertion criteria provided. Collection method: clinical testing. Allele origin: unknown. Inheritance: Sporadic. Affected: yes.

NM_000642.3(AGL):c.412G>A (p.Gly138Arg)

Gene: AGL (amylo-alpha-1,6-glucosidase and 4-alpha-glucanotransferase; plus strand). Cytogenetic location: 1p21.2.
Variant type: single nucleotide variant.
Coding change: c.412G>A on transcript NM_000642.3 (MANE Select); coding-DNA position 412, G replaced by A.
Protein change: p.Gly138Arg; replaces glycine 138 with arginine.
Molecular consequence: missense variant.
Genome position (GRCh38, 1-based): chr1:99,862,375, G>A. VCF-style: chr1-99862375-G-A. GRCh37 (hg19) VCF-style: chr1-100327931-G-A.
Other names: c.412G>A, p.Gly138Arg (NM_000028.3, NM_000643.3, NM_000644.3 and 5 more transcripts); c.364G>A, p.Gly122Arg (NM_000646.3); short protein forms G122R, G138R.
Identifiers: ClinVar variation 1012291 (VCV001012291.2), dbSNP rs747039991, ClinGen allele CA966158.